The following is an entry in ClinVar:

NM_016529.6(ATP8A2):c.2304C>A (p.Thr768=)

Gene: ATP8A2 (ATPase phospholipid transporting 8A2). Cytogenetic location: 13q12.13.
Variant type: single nucleotide variant.
Coding change: c.2304C>A on transcript NM_016529.6 (MANE Select); coding-DNA position 2304, C replaced by A.
Protein change: p.Thr768=; no amino-acid change (threonine 768 retained).
Molecular consequence: synonymous variant.
Genome position (GRCh38, 1-based): chr13:25,699,265, C>A. VCF-style: chr13-25699265-C-A. GRCh37 (hg19) VCF-style: chr13-26273403-C-A.
Other names: p.Thr768=; c.2304C>A (NM_016529.5); c.2184C>A, p.Thr728= (NM_001313741.1).
Identifiers: ClinVar variation 1165116 (VCV001165116.14), dbSNP rs7335858, ClinGen allele CA6923275.

ClinVar aggregate classification (germline): Benign. Review status: criteria provided, multiple submitters, no conflicts (2 of 4 stars). 4 submissions from 4 submitters: Benign (3). 1 of the submissions does not count toward it. Last evaluated 2026-02-03.

Conditions:
ATP8A2-related disorder. Also called: ATP8A2-related condition.

Allele frequency attached by ClinVar (database versions not stated): 1000 Genomes Project 0.07288; 1000 Genomes Project 30x 0.07683; gnomAD exomes 0.08106 and 0.10614; ExAC 0.08323; TOPMed 0.10270; gnomAD 0.10296 and 0.10625; ESP Exome Variant Server 0.10798.
gnomAD v4.1: 170,045 of 1,613,130 alleles (11%); highest among the groups gnomAD compares: African/African-American, 13%; 9,765 homozygotes.

Submissions (4):

Labcorp Genetics (formerly Invitae), Labcorp
Classification: Benign. Last evaluated: 2026-02-03. Review status: criteria provided, single submitter. Criteria: Invitae Variant Classification Sherloc (09022015). Collection method: clinical testing. Allele origin: germline.

Mayo Clinic Laboratories, Mayo Clinic
Classification: Benign. Last evaluated: 2022-03-24. Review status: criteria provided, single submitter. Criteria: ACMG Guidelines, 2015. Collection method: clinical testing. Allele origin: germline. Observed: 89 variant alleles.

Breakthrough Genomics
Classification: Benign. Review status: criteria provided, single submitter. Criteria: ACMG Guidelines, 2015. Collection method: not provided. Allele origin: germline. Inheritance: Autosomal recessive inheritance. Affected: yes.

PreventionGenetics, part of Exact Sciences
Classification: Benign for ATP8A2-related condition. Last evaluated: 2019-05-08. Review status: no assertion criteria provided. Collection method: clinical testing. Allele origin: germline. Not counted in ClinVar's aggregate classification.
Comment: This variant is classified as benign based on ACMG/AMP sequence variant interpretation guidelines (Richards et al. 2015 PMID: 25741868, with internal and published modifications).